The following is an entry in ClinVar:

NM_001130438.3(SPTAN1):c.6112A>G (p.Ile2038Val)

Gene: SPTAN1 (spectrin alpha, non-erythrocytic 1; plus strand). Cytogenetic location: 9q34.11.
Variant type: single nucleotide variant.
Coding change: c.6112A>G on transcript NM_001130438.3 (MANE Select); coding-DNA position 6112, A replaced by G.
Protein change: p.Ile2038Val; replaces isoleucine 2038 with valine.
Molecular consequence: missense variant.
Genome position (GRCh38, 1-based): chr9:128,625,811, A>G. VCF-style: chr9-128625811-A-G. GRCh37 (hg19) VCF-style: chr9-131388090-A-G.
Other names: c.6112A>G, p.Ile2038Val (NM_001375313.1, NM_001363759.2, NM_001375310.1 and 1 more transcripts); c.6052A>G, p.Ile2018Val (NM_001375314.2, NM_001438442.1, NM_001363765.2); c.6148A>G, p.Ile2050Val (NM_001375318.1, NM_001438440.1, NM_001375312.2); c.6037A>G, p.Ile2013Val (NM_001438441.1, NM_001438444.1, NM_001195532.2); c.6097A>G, p.Ile2033Val (NM_001438443.1, NM_001438445.1, NM_003127.4); short protein forms I2013V, I2018V, I2033V, I2038V, I2050V.
Identifiers: ClinVar variation 4535370 (VCV004535370.6).

ClinVar aggregate classification (germline): Uncertain significance (1 of 4 stars; one submission).

Submission:

CeGaT Center for Human Genetics Tuebingen
Classification: Uncertain significance. Last evaluated: 2025-11-01. Review status: criteria provided, single submitter. Criteria: CeGaT Center For Human Genetics Tuebingen Variant Classification Criteria Version 2. Collection method: clinical testing. Allele origin: germline. Affected: yes. Observed: 1 variant allele.
Comment: SPTAN1: PM2